The following is an entry in ClinVar:

NC_000008.11:g.117807378del

Gene: EXT1 (exostosin glycosyltransferase 1; minus strand). Cytogenetic location: 8q24.11.
Variant type: Deletion.
Genome position: GRCh38 VCF-style: chr8-117807376-AC-A. GRCh37 (hg19) VCF-style: chr8-118819615-AC-A.
Identifiers: ClinVar variation 3717805 (VCV003717805.2).
Genomic context (GRCh38, chr8:117,807,376, plus strand): 5'-CGCGCGGGGTACCCCACAATCCTCTCAGGGAAGCTCTGCCACACTGTGAAGGCGAAATCC[AC>A]CTGCAGGCAGAACACAAGCCAAACAAGCAATCAACAGTGTTAACAAATGTCAACAAAACA-3'

ClinVar aggregate classification (germline): Pathogenic (1 of 4 stars; one submission).

Conditions:
Multiple congenital exostosis (EXT). Also called: MULTIPLE CARTILAGINOUS EXOSTOSES; Multiple exostoses; Hereditary multiple osteochondromas; Hereditary multiple exostoses; Hereditary multiple exostosis; Multiple osteochondromas. Identifiers: Orphanet 321, MedGen C0015306, MONDO:0005508, HP:0002762.

Submission:

Labcorp Genetics (formerly Invitae), Labcorp
Classification: Pathogenic for Multiple congenital exostosis. Last evaluated: 2024-09-17. Review status: criteria provided, single submitter. Criteria: Invitae Variant Classification Sherloc (09022015). Collection method: clinical testing. Allele origin: germline.
Comment: This sequence change creates a premature translational stop signal (p.Val575Trpfs*46) in the EXT1 gene. It is expected to result in an absent or disrupted protein product. Loss-of-function variants in EXT1 are known to be pathogenic (PMID: 10679937, 11391482, 19810120). This variant is not present in population databases (gnomAD no frequency). This variant has not been reported in the literature in individuals affected with EXT1-related conditions. Algorithms developed to predict the effect of sequence changes on RNA splicing suggest that this variant may disrupt the consensus splice site. For these reasons, this variant has been classified as Pathogenic.

Literature cited by the submitters: PubMed 10679937; PubMed 11391482; PubMed 19810120.